The following is an entry in ClinVar:

NM_015213.4(DENND5A):c.2090G>A (p.Arg697Lys)

Genes: DENND5A (DENN domain containing 5A; minus strand), LOC126861134 (CDK7 strongly-dependent group 2 enhancer GRCh37_chr11:9190693-9191892; plus strand). Cytogenetic location: 11p15.4.
Variant type: single nucleotide variant.
Coding change: c.2090G>A on transcript NM_015213.4 (MANE Select); coding-DNA position 2090, G replaced by A.
Protein change: p.Arg697Lys; replaces arginine 697 with lysine.
Molecular consequence: missense variant. On other transcripts: non-coding transcript variant (1).
Genome position (GRCh38, 1-based): chr11:9,169,917, C>T on the plus strand (G>A on the coding strand, the complement: DENND5A is on the minus strand). VCF-style: chr11-9169917-C-T. GRCh37 (hg19) VCF-style: chr11-9191464-C-T.
Other names: c.2090G>A, p.Arg697Lys (NM_001243254.2); c.2018G>A, p.Arg673Lys (NM_001348749.2); c.1802G>A, p.Arg601Lys (NM_001348750.2); c.2090G>A (NM_015213.3); short protein forms R673K, R697K, R601K.
Identifiers: ClinVar variation 1399207 (VCV001399207.4), dbSNP rs770342376, ClinGen allele CA5877439.
Genomic context (GRCh38, chr11:9,169,917, plus strand): 5'-TCCCTCTGGTCATTATCTAAACGCAGGTGTTCTGTGTGCTGCTTCTGCCGATCTTTCCGC[C>T]TCCACTGGGCAGGGGCATTCCTTTTCGTCCACCTAACACAATCAGAACCAAAGCAGGCAA-3'
Protein context (NP_056028.2, residues 687-707): WTKRNAPAQW[Arg697Lys]RKDRQKQHTE

ClinVar aggregate classification (germline): Uncertain significance. Review status: criteria provided, multiple submitters, no conflicts (2 of 4 stars). 2 submissions from 2 submitters: Uncertain significance (2). Last evaluated 2024-10-08.

Conditions:
Inborn genetic diseases. Identifiers: MedGen C0950123, MeSH D030342.

Allele frequency attached by ClinVar (database versions not stated): gnomAD exomes below 0.00001 and 0.00001; ExAC 0.00002; gnomAD 0.00005 and 0.00006; TOPMed 0.00007.
gnomAD v4.1: 12 of 1,613,790 alleles (0.00074%); highest among the groups gnomAD compares: African/African-American, 0.015%; no homozygotes.

Submissions (2):

Ambry Genetics
Classification: Uncertain significance for Inborn genetic diseases. Last evaluated: 2024-10-08. Review status: criteria provided, single submitter. Criteria: Ambry Variant Classification Scheme 2023. Collection method: clinical testing. Allele origin: germline.

Labcorp Genetics (formerly Invitae), Labcorp
Classification: Uncertain significance. Last evaluated: 2021-12-01. Review status: criteria provided, single submitter. Criteria: Invitae Variant Classification Sherloc (09022015). Collection method: clinical testing. Allele origin: germline.
Comment: This sequence change replaces arginine, which is basic and polar, with lysine, which is basic and polar, at codon 697 of the DENND5A protein (p.Arg697Lys). This variant is present in population databases (rs770342376, gnomAD 0.02%). This variant has not been reported in the literature in individuals affected with DENND5A-related conditions. Algorithms developed to predict the effect of missense changes on protein structure and function are either unavailable or do not agree on the potential impact of this missense change (SIFT: "Deleterious"; PolyPhen-2: "Probably Damaging"; Align-GVGD: "Class C0"). In summary, the available evidence is currently insufficient to determine the role of this variant in disease. Therefore, it has been classified as a Variant of Uncertain Significance.